The following is an entry in ClinVar:

ClinVar aggregate classification (germline): Uncertain significance. Review status: criteria provided, multiple submitters, no conflicts (2 of 4 stars). 2 submissions from 2 submitters: Uncertain significance (2). Last evaluated 2024-04-19.

Conditions:
Inborn genetic diseases. Identifiers: MedGen C0950123, MeSH D030342.

Allele frequency attached by ClinVar (database versions not stated): gnomAD exomes 0.00001 and 0.00003; ExAC 0.00002; gnomAD 0.00003; TOPMed 0.00003.
gnomAD v4.1: 26 of 1,614,042 alleles (0.0016%); highest among the groups gnomAD compares: South Asian, 0.0055%; no homozygotes.

Submissions (2):

Ambry Genetics
Classification: Uncertain significance for Inborn genetic diseases. Last evaluated: 2024-04-19. Review status: criteria provided, single submitter. Criteria: Ambry Variant Classification Scheme 2023. Collection method: clinical testing. Allele origin: germline.

Labcorp Genetics (formerly Invitae), Labcorp
Classification: Uncertain significance. Last evaluated: 2022-08-03. Review status: criteria provided, single submitter. Criteria: Invitae Variant Classification Sherloc (09022015). Collection method: clinical testing. Allele origin: germline.
Comment: This sequence change replaces glycine, which is neutral and non-polar, with valine, which is neutral and non-polar, at codon 84 of the ADAMTS18 protein (p.Gly84Val). This variant is present in population databases (rs774523319, gnomAD 0.006%). This variant has not been reported in the literature in individuals affected with ADAMTS18-related conditions. ClinVar contains an entry for this variant (Variation ID: 969279). Algorithms developed to predict the effect of missense changes on protein structure and function are either unavailable or do not agree on the potential impact of this missense change (SIFT: "Not Available"; PolyPhen-2: "Benign"; Align-GVGD: "Not Available"). In summary, the available evidence is currently insufficient to determine the role of this variant in disease. Therefore, it has been classified as a Variant of Uncertain Significance.

NM_199355.4(ADAMTS18):c.251G>T (p.Gly84Val)

Gene: ADAMTS18 (ADAM metallopeptidase with thrombospondin type 1 motif 18; minus strand). Cytogenetic location: 16q23.1.
Variant type: single nucleotide variant.
Coding change: c.251G>T on transcript NM_199355.4 (MANE Select); coding-DNA position 251, G replaced by T.
Protein change: p.Gly84Val; replaces glycine 84 with valine.
Molecular consequence: missense variant. On other transcripts: 5 prime UTR variant (1).
Genome position (GRCh38, 1-based): chr16:77,431,539, C>A on the plus strand (G>T on the coding strand, the complement: ADAMTS18 is on the minus strand). VCF-style: chr16-77431539-C-A. GRCh37 (hg19) VCF-style: chr16-77465436-C-A.
Other names: c.-270G>T (NM_001326358.2); c.251G>T (NM_199355.2); short protein forms G84V.
Identifiers: ClinVar variation 969279 (VCV000969279.9), dbSNP rs774523319, ClinGen allele CA8181731.